The following is an entry in ClinVar:

ClinVar aggregate classification (germline): Uncertain significance. Review status: criteria provided, single submitter (1 of 4 stars). 2 submissions from 2 submitters: Uncertain significance (1). 1 of the submissions does not count toward it. Last evaluated 2025-06-09.

Conditions:
PTPRS-related disorder. Also called: PTPRS-related condition.

Allele frequency attached by ClinVar (database versions not stated): TOPMed 0.00011; gnomAD 0.00011; ESP Exome Variant Server 0.00016; ExAC 0.00004; 1000 Genomes Project 30x 0.00016; gnomAD exomes 0.00003; 1000 Genomes Project 0.00020.
gnomAD v4.1: 58 of 1,567,782 alleles (0.0037%); highest among the groups gnomAD compares: African/African-American, 0.023%; no homozygotes.

Submissions (2):

Ambry Genetics
Classification: Uncertain significance. Last evaluated: 2025-06-09. Review status: criteria provided, single submitter. Criteria: Ambry Variant Classification Scheme 2023. Collection method: clinical testing. Allele origin: germline.

PreventionGenetics, part of Exact Sciences
Classification: Uncertain significance for PTPRS-related condition. Last evaluated: 2023-12-27. Review status: no assertion criteria provided. Collection method: clinical testing. Allele origin: germline. Not counted in ClinVar's aggregate classification.
Comment: The PTPRS c.2627C>T variant is predicted to result in the amino acid substitution p.Thr876Met. To our knowledge, this variant has not been reported in the literature. This variant is reported in 0.016% of alleles in individuals of African descent in gnomAD. At this time, the clinical significance of this variant is uncertain due to the absence of conclusive functional and genetic evidence.

NM_002850.4(PTPRS):c.2627C>T (p.Thr876Met)

Gene: PTPRS (protein tyrosine phosphatase receptor type S; minus strand). Cytogenetic location: 19p13.3.
Variant type: single nucleotide variant.
Coding change: c.2627C>T on transcript NM_002850.4 (MANE Select); coding-DNA position 2627, C replaced by T.
Protein change: p.Thr876Met; replaces threonine 876 with methionine.
Molecular consequence: missense variant. On other transcripts: intron variant (2).
Genome position (GRCh38, 1-based): chr19:5,223,165, G>A on the plus strand (C>T on the coding strand, the complement: PTPRS is on the minus strand). VCF-style: chr19-5223165-G-A. GRCh37 (hg19) VCF-style: chr19-5223176-G-A.
Other names: c.2561C>T, p.Thr854Met (NM_001394011.1, NM_001394013.1, NM_130854.3); c.2588C>T, p.Thr863Met (NM_001394012.1); c.1811-945C>T (NM_130853.3); c.1823-945C>T (NM_130855.3); short protein forms T854M, T863M, T876M.
Identifiers: ClinVar variation 2389475 (VCV002389475.5), dbSNP rs372181642, ClinGen allele CA9109891.